The following is an entry in ClinVar:

ClinVar aggregate classification (germline): Uncertain significance (1 of 4 stars; one submission).

Conditions:
Progressive myoclonic epilepsy type 3. Also called: EPILEPSY, PROGRESSIVE MYOCLONIC, 3, WITHOUT INTRACELLULAR INCLUSIONS; KCTD7-Related Progressive Myoclonic Epilepsy; EPILEPSY, PROGRESSIVE MYOCLONIC, 3, WITH OR WITHOUT INTRACELLULAR INCLUSIONS; CEROID LIPOFUSCINOSIS, NEURONAL, 14. Identifiers: Orphanet 263516, MedGen C2673257, MONDO:0012721, OMIM 611726.

Submission:

Labcorp Genetics (formerly Invitae), Labcorp
Classification: Uncertain significance for Progressive myoclonic epilepsy type 3. Last evaluated: 2022-06-03. Review status: criteria provided, single submitter. Criteria: Invitae Variant Classification Sherloc (09022015). Collection method: clinical testing. Allele origin: germline.
Comment: This variant is not present in population databases (gnomAD no frequency). This sequence change replaces glutamine, which is neutral and polar, with glutamic acid, which is acidic and polar, at codon 37 of the KCTD7 protein (p.Gln37Glu). This variant has not been reported in the literature in individuals affected with KCTD7-related conditions. In summary, the available evidence is currently insufficient to determine the role of this variant in disease. Therefore, it has been classified as a Variant of Uncertain Significance. Algorithms developed to predict the effect of missense changes on protein structure and function (SIFT, PolyPhen-2, Align-GVGD) all suggest that this variant is likely to be tolerated.

NM_153033.5(KCTD7):c.109C>G (p.Gln37Glu)

Genes: KCTD7 (potassium channel tetramerization domain containing 7; plus strand), LOC129998533 (ATAC-STARR-seq lymphoblastoid silent region 18210; plus strand). Cytogenetic location: 7q11.21.
Variant type: single nucleotide variant.
Coding change: c.109C>G on transcript NM_153033.5 (MANE Select); coding-DNA position 109, C replaced by G.
Protein change: p.Gln37Glu; replaces glutamine 37 with glutamic acid.
Molecular consequence: missense variant.
Genome position (GRCh38, 1-based): chr7:66,629,173, C>G. VCF-style: chr7-66629173-C-G. GRCh37 (hg19) VCF-style: chr7-66094160-C-G.
Other names: c.109C>G, p.Gln37Glu (NM_001167961.2); short protein forms Q37E.
Identifiers: ClinVar variation 1999457 (VCV001999457.4), dbSNP rs1786383273, ClinGen allele CA367695349.